The following is an entry in ClinVar:

ClinVar aggregate classification (germline): Uncertain significance (1 of 4 stars; one submission).

Submission:

Women's Health and Genetics/Laboratory Corporation of America, LabCorp
Classification: Uncertain significance. Last evaluated: 2025-02-26. Review status: criteria provided, single submitter. Criteria: LabCorp Variant Classification Summary - May 2015. Collection method: clinical testing. Allele origin: germline.
Comment: Variant summary: SETD1B c.3662G>C (p.Gly1221Ala) results in a non-conservative amino acid change in the encoded protein sequence. Three of four in-silico tools predict a benign effect of the variant on protein function. The variant was absent in 153844 control chromosomes. The available data on variant occurrences in the general population are insufficient to allow any conclusion about variant significance. To our knowledge, no occurrence of c.3662G>C in individuals affected with Intellectual Developmental Disorder With Seizures And Language Delay and no experimental evidence demonstrating its impact on protein function have been reported. No submitters have cited clinical-significance assessments for this variant to ClinVar. Based on the evidence outlined above, the variant was classified as uncertain significance.

NM_001353345.2(SETD1B):c.3662G>C (p.Gly1221Ala)

Gene: SETD1B (SET domain containing 1B, histone lysine methyltransferase; plus strand). Cytogenetic location: 12q24.31.
Variant type: single nucleotide variant.
Coding change: c.3662G>C on transcript NM_001353345.2 (MANE Select); coding-DNA position 3662, G replaced by C.
Protein change: p.Gly1221Ala; replaces glycine 1221 with alanine.
Molecular consequence: missense variant.
Genome position (GRCh38, 1-based): chr12:121,819,647, G>C. VCF-style: chr12-121819647-G-C. GRCh37 (hg19) VCF-style: chr12-122257553-G-C.
Other names: short protein forms G1221A.
Identifiers: ClinVar variation 3768644 (VCV003768644.1).